The following is an entry in ClinVar:

NM_001283009.2(RTEL1):c.1880C>T (p.Ala627Val)

Genes: RTEL1 (regulator of telomere elongation helicase 1; plus strand), RTEL1-TNFRSF6B (RTEL1-TNFRSF6B readthrough (NMD candidate); plus strand). Cytogenetic location: 20q13.33.
Variant type: single nucleotide variant.
Coding change: c.1880C>T on transcript NM_001283009.2 (MANE Select); coding-DNA position 1880, C replaced by T.
Protein change: p.Ala627Val; replaces alanine 627 with valine.
Molecular consequence: missense variant. On other transcripts: non-coding transcript variant (1).
Genome position (GRCh38, 1-based): chr20:63,689,503, C>T. VCF-style: chr20-63689503-C-T. GRCh37 (hg19) VCF-style: chr20-62320856-C-T.
Other names: c.1211C>T, p.Ala404Val (NM_001283010.1); c.1880C>T, p.Ala627Val (NM_016434.4); c.1952C>T, p.Ala651Val (NM_032957.5); short protein forms A404V, A651V, A627V.
Identifiers: ClinVar variation 3790996 (VCV003790996.1).

ClinVar aggregate classification (germline): Uncertain significance (1 of 4 stars; one submission).

Conditions:
Inborn genetic diseases. Identifiers: MedGen C0950123, MeSH D030342.

Submission:

Ambry Genetics
Classification: Uncertain significance for Inborn genetic diseases. Last evaluated: 2024-12-21. Review status: criteria provided, single submitter. Criteria: Ambry Variant Classification Scheme 2023. Collection method: clinical testing. Allele origin: germline.
Comment: The p.A627V variant (also known as c.1880C>T), located in coding exon 22 of the RTEL1 gene, results from a C to T substitution at nucleotide position 1880. The alanine at codon 627 is replaced by valine, an amino acid with similar properties. This amino acid position is conserved. In addition, this alteration is predicted to be tolerated by in silico analysis. Based on the available evidence, the clinical significance of this variant remains unclear.